The following is an entry in ClinVar:

NM_006899.5(IDH3B):c.395T>C (p.Leu132Pro)

Gene: IDH3B (isocitrate dehydrogenase (NAD(+)) 3 non-catalytic subunit beta; minus strand). Cytogenetic location: 20p13.
Variant type: single nucleotide variant.
Coding change: c.395T>C on transcript NM_006899.5 (MANE Select); coding-DNA position 395, T replaced by C.
Protein change: p.Leu132Pro; replaces leucine 132 with proline.
Molecular consequence: missense variant. On other transcripts: non-coding transcript variant (1).
Genome position (GRCh38, 1-based): chr20:2,660,912, A>G on the plus strand (T>C on the coding strand, the complement: IDH3B is on the minus strand). VCF-style: chr20-2660912-A-G. GRCh37 (hg19) VCF-style: chr20-2641558-A-G.
Other names: L98P; c.395T>C, p.Leu132Pro (NM_001258384.3, NM_001330763.2, NM_174855.4); short protein forms L132P.
Identifiers: ClinVar variation 5506 (VCV000005506.5), dbSNP rs137853020, ClinGen allele CA253508.

ClinVar aggregate classification (germline): Uncertain significance. Review status: criteria provided, single submitter (1 of 4 stars). 2 submissions from 2 submitters: Uncertain significance (1). 1 of the submissions does not count toward it. Last evaluated 2023-12-09.

Conditions:
Retinitis pigmentosa 46 (RP46). Also called: RETINITIS PIGMENTOSA, AUTOSOMAL RECESSIVE, IDH3B-RELATED. Identifiers: Orphanet 791, MedGen C2675496, MONDO:0012943, OMIM 612572.

Allele frequency attached by ClinVar (database versions not stated): gnomAD exomes below 0.00001.
gnomAD v4.1: 5 of 1,614,066 alleles (0.00031%); highest among the groups gnomAD compares: Middle Eastern, 0.033%; no homozygotes.

Submissions (2):

Labcorp Genetics (formerly Invitae), Labcorp
Classification: Uncertain significance. Last evaluated: 2023-12-09. Review status: criteria provided, single submitter. Criteria: Invitae Variant Classification Sherloc (09022015). Collection method: clinical testing. Allele origin: germline.
Comment: This sequence change replaces leucine, which is neutral and non-polar, with proline, which is neutral and non-polar, at codon 132 of the IDH3B protein (p.Leu132Pro). This variant is present in population databases (rs137853020, gnomAD no frequency). This missense change has been observed in individuals with retinitis pigmentosa (PMID: 18806796). ClinVar contains an entry for this variant (Variation ID: 5506). Advanced modeling of protein sequence and biophysical properties (such as structural, functional, and spatial information, amino acid conservation, physicochemical variation, residue mobility, and thermodynamic stability) performed at Invitae indicates that this missense variant is expected to disrupt IDH3B protein function with a positive predictive value of 80%. In summary, the available evidence is currently insufficient to determine the role of this variant in disease. Therefore, it has been classified as a Variant of Uncertain Significance.

OMIM
Classification: Pathogenic for RETINITIS PIGMENTOSA 46. Last evaluated: 2008-10-01. Review status: no assertion criteria provided. Collection method: literature only. Allele origin: germline. Not counted in ClinVar's aggregate classification.

Literature cited by the submitters: PubMed 18806796 (cited by Labcorp Genetics (formerly Invitae), Labcorp and OMIM).